The following is an entry in ClinVar:

ClinVar aggregate classification (germline): Uncertain significance (1 of 4 stars; one submission).

Conditions:
Ehlers-Danlos syndrome, classic type, 1 (EDSCL1). Also called: EHLERS-DANLOS SYNDROME, GRAVIS TYPE; EHLERS-DANLOS SYNDROME, SEVERE CLASSIC TYPE; Ehlers-Danlos syndrome, type 1; Ehlers-Danlos Syndrome, Classic Type, COL5A1-Related; EDS I. Identifiers: MedGen C0268335, MONDO:0019567, OMIM 130000.

Submission:

Labcorp Genetics (formerly Invitae), Labcorp
Classification: Uncertain significance for Ehlers-Danlos syndrome, classic type, 1. Last evaluated: 2024-10-20. Review status: criteria provided, single submitter. Criteria: Invitae Variant Classification Sherloc (09022015). Collection method: clinical testing. Allele origin: germline.
Comment: This sequence change replaces proline, which is neutral and non-polar, with arginine, which is basic and polar, at codon 1355 of the COL5A2 protein (p.Pro1355Arg). This variant is not present in population databases (gnomAD no frequency). This variant has not been reported in the literature in individuals affected with COL5A2-related conditions. Invitae Evidence Modeling of protein sequence and biophysical properties (such as structural, functional, and spatial information, amino acid conservation, physicochemical variation, residue mobility, and thermodynamic stability) indicates that this missense variant is not expected to disrupt COL5A2 protein function with a negative predictive value of 80%. In summary, the available evidence is currently insufficient to determine the role of this variant in disease. Therefore, it has been classified as a Variant of Uncertain Significance.

NM_000393.5(COL5A2):c.4064C>G (p.Pro1355Arg)

Gene: COL5A2 (collagen type V alpha 2 chain; minus strand). Cytogenetic location: 2q32.2.
Variant type: single nucleotide variant.
Coding change: c.4064C>G on transcript NM_000393.5 (MANE Select); coding-DNA position 4064, C replaced by G.
Protein change: p.Pro1355Arg; replaces proline 1355 with arginine.
Molecular consequence: missense variant.
Genome position (GRCh38, 1-based): chr2:189,036,665, G>C on the plus strand (C>G on the coding strand, the complement: COL5A2 is on the minus strand). VCF-style: chr2-189036665-G-C. GRCh37 (hg19) VCF-style: chr2-189901391-G-C.
Other names: short protein forms P1355R.
Identifiers: ClinVar variation 3675347 (VCV003675347.2).